The following is an entry in ClinVar:

ClinVar aggregate classification (germline): Likely benign. Review status: criteria provided, single submitter (1 of 4 stars). 2 submissions from 2 submitters: Likely benign (1). 1 of the submissions does not count toward it. Last evaluated 2025-02-15.

Conditions:
SLC34A3-related disorder. Also called: SLC34A3-related condition.

Submissions (2):

Labcorp Genetics (formerly Invitae), Labcorp
Classification: Likely benign. Last evaluated: 2025-02-15. Review status: criteria provided, single submitter. Criteria: Invitae Variant Classification Sherloc (09022015). Collection method: clinical testing. Allele origin: germline.

PreventionGenetics, part of Exact Sciences
Classification: Likely benign for SLC34A3-related condition. Last evaluated: 2019-08-22. Review status: no assertion criteria provided. Collection method: clinical testing. Allele origin: germline. Not counted in ClinVar's aggregate classification.
Comment: This variant is classified as likely benign based on ACMG/AMP sequence variant interpretation guidelines (Richards et al. 2015 PMID: 25741868, with internal and published modifications).

NM_001177316.2(SLC34A3):c.925+22G>C

Gene: SLC34A3 (solute carrier family 34 member 3; plus strand). Cytogenetic location: 9q34.3.
Variant type: single nucleotide variant.
Coding change: c.925+22G>C on transcript NM_001177316.2 (MANE Select); 22 bases into the intron after coding-DNA position 925, G replaced by C.
Molecular consequence: intron variant.
Genome position (GRCh38, 1-based): chr9:137,233,963, G>C. VCF-style: chr9-137233963-G-C. GRCh37 (hg19) VCF-style: chr9-140128415-G-C.
Other names: c.925+22G>C (NM_001177317.2, NM_080877.3).
Identifiers: ClinVar variation 3052436 (VCV003052436.3), dbSNP rs1209437981, ClinGen allele CA591373924.
Genomic context (GRCh38, chr9:137,233,963, plus strand): 5'-CAGAGAAGAACAGCACAGCCCCGGCGGACAGGCTGCCCTGTGAGGCCCGGCCCACCCCAA[G>C]CCCCCTACACCCCCCACACTCCCCCTCACCGGCCCCTACATGGAGAGGAACAGCACAGCC-3'